The following is an entry in ClinVar:

NM_201378.4(PLEC):c.71-5494G>A

Gene: PLEC (plectin; minus strand). Cytogenetic location: 8q24.3.
Variant type: single nucleotide variant.
Coding change: c.71-5494G>A on transcript NM_201378.4 (MANE Plus Clinical); 5494 bases into the intron before coding-DNA position 71, G replaced by A.
Molecular consequence: intron variant.
Genome position (GRCh38, 1-based): chr8:143,944,186, C>T on the plus strand (G>A on the coding strand, the complement: PLEC is on the minus strand). VCF-style: chr8-143944186-C-T. GRCh37 (hg19) VCF-style: chr8-145018354-C-T.
Other names: c.194-5494G>A (NM_001410941.1, NM_000445.5); c.47-5494G>A (NM_201379.3); c.524-5494G>A (NM_201380.4); c.16+462G>A (NM_201381.3).
Identifiers: ClinVar variation 671525 (VCV000671525.3), dbSNP rs11786896, ClinGen allele CA12945721.
Genomic context (GRCh38, chr8:143,944,186, plus strand): 5'-CCCGGCCGGCTCAGCTGTCCCTGCGCAGGGCTACTGACGCTCAAGGTTAGTTGGCCTTAA[C>T]CCCTGCGTCCCCGCGGCCACACCCGCCGGGAGGAGGGGCCAGCCGCACGCCTGGCCAAGC-3'

ClinVar aggregate classification (germline): Likely benign (1 of 4 stars; one submission).

Allele frequency attached by ClinVar (database versions not stated): TOPMed 0.02859; gnomAD 0.03038 and 0.03143; 1000 Genomes Project 30x 0.01421; 1000 Genomes Project 0.01378.
gnomAD v4.1: 4,614 of 152,050 alleles (3%); highest among the groups gnomAD compares: Non-Finnish European, 4.7%; 95 homozygotes.

Submission:

GeneDx
Classification: Likely benign. Last evaluated: 2018-06-16. Review status: criteria provided, single submitter. Criteria: GeneDx Variant Classification (06012015). Collection method: clinical testing. Allele origin: germline. Affected: yes.
Comment: This variant is considered likely benign or benign based on one or more of the following criteria: it is a conservative change, it occurs at a poorly conserved position in the protein, it is predicted to be benign by multiple in silico algorithms, and/or has population frequency not consistent with disease.